The following is an entry in ClinVar:

NM_000416.3(IFNGR1):c.412G>A (p.Glu138Lys)

Gene: IFNGR1 (interferon gamma receptor 1; minus strand). Cytogenetic location: 6q23.3.
Variant type: single nucleotide variant.
Coding change: c.412G>A on transcript NM_000416.3 (MANE Select); coding-DNA position 412, G replaced by A.
Protein change: p.Glu138Lys; replaces glutamic acid 138 with lysine.
Molecular consequence: missense variant.
Genome position (GRCh38, 1-based): chr6:137,204,466, C>T on the plus strand (G>A on the coding strand, the complement: IFNGR1 is on the minus strand). VCF-style: chr6-137204466-C-T. GRCh37 (hg19) VCF-style: chr6-137525603-C-T.
Other names: c.382G>A, p.Glu128Lys (NM_001363526.1); c.289G>A, p.Glu97Lys (NM_001363527.1); short protein forms E97K, E138K, E128K.
Identifiers: ClinVar variation 1437869 (VCV001437869.6), dbSNP rs779873472, ClinGen allele CA4018976.

ClinVar aggregate classification (germline): Uncertain significance (1 of 4 stars; one submission).

Conditions:
Disseminated atypical mycobacterial infection. Identifiers: MedGen C0694566.

Allele frequency attached by ClinVar (database versions not stated): gnomAD exomes below 0.00001 and 0.00001; ExAC 0.00001.
gnomAD v4.1: 13 of 1,613,996 alleles (0.00081%); highest among the groups gnomAD compares: African/African-American, 0.0013%; no homozygotes.

Submission:

Labcorp Genetics (formerly Invitae), Labcorp
Classification: Uncertain significance for Disseminated atypical mycobacterial infection. Last evaluated: 2021-11-22. Review status: criteria provided, single submitter. Criteria: Invitae Variant Classification Sherloc (09022015). Collection method: clinical testing. Allele origin: germline.
Comment: In summary, the available evidence is currently insufficient to determine the role of this variant in disease. Therefore, it has been classified as a Variant of Uncertain Significance. Algorithms developed to predict the effect of missense changes on protein structure and function output the following: SIFT: "Tolerated"; PolyPhen-2: "Benign"; Align-GVGD: "Class C0". The lysine amino acid residue is found in multiple mammalian species, which suggests that this missense change does not adversely affect protein function. This variant has not been reported in the literature in individuals affected with IFNGR1-related conditions. This variant is present in population databases (rs779873472, gnomAD 0.004%). This sequence change replaces glutamic acid, which is acidic and polar, with lysine, which is basic and polar, at codon 138 of the IFNGR1 protein (p.Glu138Lys).